The following is an entry in ClinVar:

ClinVar aggregate classification (germline): Benign/Likely benign. Review status: criteria provided, multiple submitters, no conflicts (2 of 4 stars). 5 submissions from 5 submitters: Benign (1); Likely benign (3). 1 of the submissions does not count toward it. Last evaluated 2026-06-01.

Conditions:
Kabuki syndrome. Also called: NIIKAWA-KUROKI SYNDROME; Kabuki make-up syndrome. Identifiers: Orphanet 2322, MedGen C0796004, MONDO:0016512.
KMT2D-related disorder. Also called: KMT2D-Related Disorders.
Inborn genetic diseases. Identifiers: MedGen C0950123, MeSH D030342.

Allele frequency attached by ClinVar (database versions not stated): gnomAD 0.00001; gnomAD exomes 0.00002 and 0.00009; TOPMed 0.00002; ExAC 0.00009.
gnomAD v4.1: 28 of 1,608,874 alleles (0.0017%); highest among the groups gnomAD compares: Admixed American, 0.038%; no homozygotes.

Submissions (5):

CeGaT Center for Human Genetics Tuebingen
Classification: Likely benign. Last evaluated: 2026-06-01. Review status: criteria provided, single submitter. Criteria: CeGaT Center For Human Genetics Tuebingen Variant Classification Criteria Version 2. Collection method: clinical testing. Allele origin: germline. Affected: yes. Observed: 3 variant alleles.
Comment: KMT2D: BP4

Labcorp Genetics (formerly Invitae), Labcorp
Classification: Benign for Kabuki syndrome. Last evaluated: 2025-10-26. Review status: criteria provided, single submitter. Criteria: Invitae Variant Classification Sherloc (09022015). Collection method: clinical testing. Allele origin: germline.

Ambry Genetics
Classification: Likely benign for Inborn genetic diseases. Last evaluated: 2022-02-10. Review status: criteria provided, single submitter. Criteria: Ambry Variant Classification Scheme 2023. Collection method: clinical testing. Allele origin: germline.

GeneDx
Classification: Likely benign. Last evaluated: 2021-02-06. Review status: criteria provided, single submitter. Criteria: GeneDx Variant Classification Process June 2021. Collection method: clinical testing. Allele origin: germline. Affected: yes.

PreventionGenetics, part of Exact Sciences
Classification: Likely benign for KMT2D-related condition. Last evaluated: 2022-09-30. Review status: no assertion criteria provided. Collection method: clinical testing. Allele origin: germline. Not counted in ClinVar's aggregate classification.
Comment: This variant is classified as likely benign based on ACMG/AMP sequence variant interpretation guidelines (Richards et al. 2015 PMID: 25741868, with internal and published modifications).

NM_003482.4(KMT2D):c.12686G>A (p.Arg4229Gln)

Gene: KMT2D (lysine methyltransferase 2D; minus strand). Cytogenetic location: 12q13.12.
Variant type: single nucleotide variant.
Coding change: c.12686G>A on transcript NM_003482.4 (MANE Select); coding-DNA position 12686, G replaced by A.
Protein change: p.Arg4229Gln; replaces arginine 4229 with glutamine.
Molecular consequence: missense variant.
Genome position (GRCh38, 1-based): chr12:49,032,019, C>T on the plus strand (G>A on the coding strand, the complement: KMT2D is on the minus strand). VCF-style: chr12-49032019-C-T. GRCh37 (hg19) VCF-style: chr12-49425802-C-T.
Other names: short protein forms R4229Q.
Identifiers: ClinVar variation 1254883 (VCV001254883.23), dbSNP rs753607446, ClinGen allele CA6546153.
Genomic context (GRCh38, chr12:49,032,019, plus strand): 5'-TGGGTCCCAGGCTCCTGGTAGGGTGGGGTCTGGCGTACTGCCTGACTCTGCTGCAGCTGC[C>T]GCTGCATGAGGAGTGCCTGTAGCTGCTGCTGCTGCTGAGGACTTAAGTGCCGCAGCTGTG-3'
Protein context (NP_003473.3, residues 4219-4239): QQQLQALLMQ[Arg4229Gln]QLQQSQAVRQ